The following is an entry in ClinVar:

NM_007294.4(BRCA1):c.134+20G>C

Gene: BRCA1 (BRCA1 DNA repair associated; minus strand). Cytogenetic location: 17q21.31.
Variant type: single nucleotide variant.
Coding change: c.134+20G>C on transcript NM_007294.4 (MANE Select); 20 bases into the intron after coding-DNA position 134, G replaced by C.
Molecular consequence: intron variant.
Genome position (GRCh38, 1-based): chr17:43,115,706, C>G on the plus strand (G>C on the coding strand, the complement: BRCA1 is on the minus strand). VCF-style: chr17-43115706-C-G. GRCh37 (hg19) VCF-style: chr17-41267723-C-G.
Other names: c.-8+20G>C (NM_001408458.1, NM_001408470.1, NM_001407848.1 and 47 more transcripts); c.-219+9571G>C (NM_001407967.1); c.-170+9571G>C (NM_001407959.1); c.-7-9173G>C (NM_001407931.1, NM_001407747.1, NM_001408511.1 and 2 more transcripts); c.-170+20G>C (NM_001407962.1, NM_001408512.1, NM_001408510.1 and 1 more transcripts); c.-55+20G>C (NM_001407885.1, NM_001407886.1, NM_001408509.1 and 52 more transcripts); c.-124+20G>C (NM_001407746.1, NM_001408468.1, NM_001407842.1 and 13 more transcripts); c.-8+8311G>C (NM_001408461.1, NM_001407738.1, NM_001407932.1 and 23 more transcripts); and 10 more.
Identifiers: ClinVar variation 865169 (VCV000865169.3), dbSNP rs2055237738, ClinGen allele CA916080946.

Conditions:
Breast-ovarian cancer, familial, susceptibility to, 1 (BROVCA1). Also called: BRCA1 Hereditary Breast and Ovarian Cancer; OVARIAN CANCER, SUSCEPTIBILITY TO. Identifiers: Orphanet 145, MedGen C2676676, MONDO:0011450, OMIM 604370. Disease mechanism: loss of function.

Submission:

Brotman Baty Institute, University of Washington
No classification provided (evidence only). Condition: Breast-ovarian cancer, familial 1. Review status: no classification provided. Collection method: in vitro. Allele origin: not applicable. Functional consequence: functionally_normal.
ClinVar note: "not provided" was previously submitted as the classification for the variant. However, the classification appeared to be based only on an observation of functional data so it was converted to no classification on 2025-07-30.